The following is an entry in ClinVar:

ClinVar aggregate classification (germline): Uncertain significance (1 of 4 stars; one submission).

Conditions:
Developmental and epileptic encephalopathy, 30 (DEE30). Also called: Epileptic encephalopathy, early infantile, 30. Identifiers: MedGen C4225360, MONDO:0014595, OMIM 616341.

Submission:

Labcorp Genetics (formerly Invitae), Labcorp
Classification: Uncertain significance for Developmental and epileptic encephalopathy, 30. Last evaluated: 2022-02-03. Review status: criteria provided, single submitter. Criteria: Invitae Variant Classification Sherloc (09022015). Collection method: clinical testing. Allele origin: germline.
Comment: This variant is not present in population databases (gnomAD no frequency). In summary, the available evidence is currently insufficient to determine the role of this variant in disease. Therefore, it has been classified as a Variant of Uncertain Significance. Algorithms developed to predict the effect of sequence changes on RNA splicing suggest that this variant may create or strengthen a splice site. Algorithms developed to predict the effect of missense changes on protein structure and function (SIFT, PolyPhen-2, Align-GVGD) all suggest that this variant is likely to be tolerated. This variant has not been reported in the literature in individuals affected with SIK1-related conditions. This sequence change replaces aspartic acid, which is acidic and polar, with glycine, which is neutral and non-polar, at codon 305 of the SIK1 protein (p.Asp305Gly).

NM_173354.5(SIK1):c.914A>G (p.Asp305Gly)

Gene: SIK1 (salt inducible kinase 1; minus strand). Cytogenetic location: 21q22.3.
Variant type: single nucleotide variant.
Coding change: c.914A>G on transcript NM_173354.5 (MANE Select); coding-DNA position 914, A replaced by G.
Protein change: p.Asp305Gly; replaces aspartic acid 305 with glycine.
Molecular consequence: missense variant.
Genome position (GRCh38, 1-based): chr21:43,420,292, T>C on the plus strand (A>G on the coding strand, the complement: SIK1 is on the minus strand). VCF-style: chr21-43420292-T-C. GRCh37 (hg19) VCF-style: chr21-44840172-T-C.
Other names: short protein forms D305G.
Identifiers: ClinVar variation 1379086 (VCV001379086.8), dbSNP rs2146472509, ClinGen allele CA410609148.